The following is an entry in ClinVar:

NM_001167623.2(CACNA1C):c.1216G>A (p.Gly406Arg)

Gene: CACNA1C (calcium voltage-gated channel subunit alpha1 C; plus strand). Cytogenetic location: 12p13.33.
Variant type: single nucleotide variant.
Coding change: c.1216G>A on transcript NM_001167623.2 (MANE Plus Clinical); coding-DNA position 1216, G replaced by A.
Protein change: p.Gly406Arg; replaces glycine 406 with arginine.
Molecular consequence: missense variant. On other transcripts: intron variant (19).
Genome position (GRCh38, 1-based): chr12:2,504,538, G>A. VCF-style: chr12-2504538-G-A. GRCh37 (hg19) VCF-style: chr12-2613704-G-A.
Other names: p.G406R:GGA>AGA; c.1216G>A, p.Gly406Arg (NM_001129840.2, NM_001167624.3, NM_001167625.2); c.1114-304G>A (NM_199460.4, NM_001129827.2, NM_001129832.2 and 15 more transcripts); c.1105-304G>A (NM_001129844.2); short protein forms G406R.
Identifiers: ClinVar variation 190633 (VCV000190633.13), dbSNP rs786205745, ClinGen allele CA301241.

ClinVar aggregate classification (germline): Pathogenic/Likely pathogenic. Review status: criteria provided, multiple submitters, no conflicts (2 of 4 stars). 5 submissions from 5 submitters: Pathogenic (3); Likely pathogenic (1). 1 of the submissions does not count toward it. Last evaluated 2025-03-05.

Conditions:
Timothy syndrome (TS). Also called: LONG QT SYNDROME WITH SYNDACTYLY. Identifiers: Orphanet 65283, MedGen C1832916, MeSH C536962, MONDO:0010979, OMIM 601005.
Brugada syndrome 3 (BRGDA3). Identifiers: Orphanet 130, MedGen C2678478, MONDO:0012742, OMIM 611875.
Long QT syndrome 8. Identifiers: MedGen CN260585, MONDO:0032756, OMIM 618447.
Long QT syndrome (LQTS). Identifiers: MedGen C0023976, MeSH D008133, MONDO:0002442. Disease mechanism: loss of function. Inheritance: Various modes of inheritance.

Submissions (5):

Labcorp Genetics (formerly Invitae), Labcorp
Classification: Pathogenic for Long QT syndrome. Last evaluated: 2025-03-05. Review status: criteria provided, single submitter. Criteria: Invitae Variant Classification Sherloc (09022015). Collection method: clinical testing. Allele origin: germline.
Comment: The CACNA1C gene has multiple clinically relevant transcripts. This variant occurs in alternate transcript NM_001129840.1, and corresponds to NM_000719.6:c.1114-304G>A in the primary transcript. This sequence change replaces glycine, which is neutral and non-polar, with arginine, which is basic and polar, at codon 406 of the CACNA1C protein (p.Gly406Arg). This variant is not present in population databases (gnomAD no frequency). This missense change has been observed in individual(s) with atypical Timothy syndrome (TS2) (PMID: 15863612, 26227324, 26301350, 28371864). In at least one individual the variant was observed to be de novo. This variant is also known as G406R in exon 9. ClinVar contains an entry for this variant (Variation ID: 190633). Algorithms developed to predict the effect of variants on gene product structure and function are not available or were not evaluated for this variant. Experimental studies have shown that this missense change affects CACNA1C function (PMID: 15863612, 18250309, 19074970, 22990809, 26822303). Algorithms developed to predict the effect of sequence changes on RNA splicing suggest that this variant is not likely to affect RNA splicing. For these reasons, this variant has been classified as Pathogenic.

3billion
Classification: Pathogenic for Timothy syndrome. Last evaluated: 2024-09-26. Review status: criteria provided, single submitter. Criteria: ACMG Guidelines, 2015. Collection method: clinical testing. Allele origin: germline. Affected: yes.
Comment: The variant is not observed in the gnomAD v4.0.0 dataset. Predicted Consequence/Location: Missense variant. Missense changes are a common disease-causing mechanism. Functional studies provide strong evidence of the variant having a damaging effect on the gene or gene product (PMID: 15863612, 18250309, 19074970, 26822303). In silico tool predictions suggest damaging effect of the variant on gene or gene product [REVEL: 0.94 (>=0.6, sensitivity 0.68 and specificity 0.92); 3Cnet: 0.91 (>=0.6, sensitivity 0.72 and precision 0.9)]. The same nucleotide change resulting in the same amino acid change has been previously reported as pathogenic/likely pathogenic with strong evidence (ClinVar ID: VCV000190633). The variant has been observed in multiple (>3) similarly affected unrelated individuals (PMID: 15863612, 26227324, 28371864). The variant has been previously reported as assumed (i.e. paternity and maternity not confirmed) de novo in at least two similarly affected unrelated individuals (PMID: 15863612, 28371864). Therefore, this variant is classified as Pathogenic according to the recommendation of ACMG/AMP guideline.

Fulgent Genetics
Classification: Likely pathogenic for Timothy syndrome; Brugada syndrome 3; Long QT syndrome 8. Last evaluated: 2021-10-04. Review status: criteria provided, single submitter. Criteria: ACMG Guidelines, 2015. Collection method: clinical testing. Allele origin: unknown.

GeneDx
Classification: Pathogenic. Last evaluated: 2014-01-28. Review status: criteria provided, single submitter. Criteria: GeneDx Variant Classification (06012015). Collection method: clinical testing. Allele origin: germline. Affected: yes.
Comment: p.Gly406Arg (GGA>AGA): c.1216 G>A in exon 8 of the CACNA1C gene (NM_001167625.1). The G406R mutation in the CACNA1C gene has been reported previously in association with Timothy syndrome (Splawski I et al., 2004; Yarotskyy V et al., 2009). Splawski et al. reported G406R as a de novo mutation in 11 unrelated individuals with Timothy syndrome and additionally in two siblings that inherited G406R as a result of germline mosaicism (Splawski I et al., 2004). In this same study, G406R was absent in 360 control alleles and expression of the CACNA1C gene was found in multiple tissue types that correlate to the organ systems affected in Timothy syndrome. Moreover, G406R was not observed in approximately 6,000 individuals of European and African American ancestry in the NHLBI Exome Sequencing Project, indicating it is not a common benign variant in these populations. The Gly406 residue is highly conserved across species and functional studies identified that G406R has a significant effect on calcium ion channel currents leading to action potential prolongation (Splawski I et al., 2004). G406R is a non-conservative amino acid substitution as these residues differ in polarity, charge, size and/or other properties and is more likely to impact secondary structure. In summary, G406R in the CACNA1C gene is interpreted as a disease-causing mutation. The variant is found in ARRHYTHMIA panel(s).

GeneReviews
No classification provided. Condition: Timothy syndrome. Review status: no classification provided. Collection method: literature only. Allele origin: germline. Not counted in ClinVar's aggregate classification.
Comment: Timothy syndrome phenotype with or without syndactyly

Literature cited by the submitters: PubMed 15863612 (cited by 3 submitters); PubMed 26227324 (cited by Labcorp Genetics (formerly Invitae), Labcorp and 3billion); PubMed 26301350 (cited by Labcorp Genetics (formerly Invitae), Labcorp); PubMed 28371864 (cited by Labcorp Genetics (formerly Invitae), Labcorp and 3billion); PubMed 18250309 (cited by Labcorp Genetics (formerly Invitae), Labcorp and 3billion); PubMed 19074970 (cited by Labcorp Genetics (formerly Invitae), Labcorp and 3billion); PubMed 22990809 (cited by Labcorp Genetics (formerly Invitae), Labcorp); PubMed 26822303 (cited by Labcorp Genetics (formerly Invitae), Labcorp and 3billion); NCBI Bookshelf NBK1403 (cited by GeneReviews).